The following is an entry in ClinVar:

NM_000261.2(MYOC):c.1182C>T (p.Thr394=)

Gene: MYOC (myocilin; minus strand). Cytogenetic location: 1q24.3.
Variant type: single nucleotide variant.
Coding change: c.1182C>T on transcript NM_000261.2 (MANE Select); coding-DNA position 1182, C replaced by T.
Protein change: p.Thr394=; no amino-acid change (threonine 394 retained).
Molecular consequence: synonymous variant.
Genome position (GRCh38, 1-based): chr1:171,636,258, G>A on the plus strand (C>T on the coding strand, the complement: MYOC is on the minus strand). VCF-style: chr1-171636258-G-A. GRCh37 (hg19) VCF-style: chr1-171605398-G-A.
Other names: NM_000261.2:c.1182C>T.
Identifiers: ClinVar variation 1723165 (VCV001723165.1), dbSNP rs763577837, ClinGen allele CA1244070.

ClinVar aggregate classification (germline): Likely benign (3 of 4 stars; one submission).

Conditions:
Open-angle glaucoma. Identifiers: MedGen C0017612, MONDO:0005338, HP:0012108.

Allele frequency attached by ClinVar (database versions not stated): ExAC 0.00004; gnomAD 0.00005; gnomAD exomes 0.00003; TOPMed 0.00004.
gnomAD v4.1: 52 of 1,613,966 alleles (0.0032%); highest among the groups gnomAD compares: South Asian, 0.031%; no homozygotes.

Submission:

ClinGen Glaucoma Variant Curation Expert Panel
Classification: Likely benign for Open-angle glaucoma. Last evaluated: 2026-01-12. Review status: reviewed by expert panel. Criteria: ClinGen Glaucoma ACMG Specifications V2.0.0 Approved. Collection method: curation. Allele origin: germline. Inheritance: Autosomal dominant inheritance.
Comment: The c.1182C>T variant in MYOC is a synonymous variant (p.Thr394=). The highest minor allele frequency of this variant was in the South Asian genetic ancestry group of gnomAD (v4.1.0) = 0.0003075 (28 alleles out of 91,066), which did not meet the PM2_Supporting allele frequency threshold (≤ 0.0001) or the BS1 allele frequency threshold (≥ 0.001). The SpliceAI score = 0, which met the ≤ 0.1 threshold for BP4, suggesting that the variant does not impact MYOC function. This synonymous variant meets BP4, so BP7 is met. There was no functional evidence predicting a damaging or benign impact of this variant on MYOC function. Although probands with primary open angle glaucoma have been reported carrying this variant, PM2_Supporting was not met, therefore PS4 did not apply. In summary, this variant met the criteria to receive a score of -2 and to be classified as likely benign (likely benign classification range -2 to -6, adapted from PMID: 32720330) for primary open angle glaucoma based on the ACMG/AMP criteria met, as specified by the ClinGen Glaucoma VCEP (v2.0.0, 5 Dec 2024): BP4, BP7